The following is an entry in ClinVar:

ClinVar aggregate classification (germline): Conflicting classifications of pathogenicity. Review status: criteria provided, conflicting classifications (1 of 4 stars). 6 submissions from 6 submitters: Uncertain significance (1); Benign (2); Likely benign (3). Last evaluated 2026-04-03.

Conditions:
Hereditary cancer-predisposing syndrome. Also called: Neoplastic Syndromes, Hereditary; Hereditary Cancer Syndrome; Tumor predisposition; Hereditary neoplastic syndrome. Identifiers: Orphanet 140162, MedGen C0027672, MeSH D009386, MONDO:0015356.
Tuberous sclerosis syndrome (TSC). Also called: Tuberous Sclerosis Complex; Tuberous sclerosis. Identifiers: Orphanet 805, MedGen C0041341, MONDO:0001734.
Tuberous sclerosis 2 (TSC2). Identifiers: Orphanet 805, MedGen C1860707, MONDO:0013199, OMIM 613254.

Allele frequency attached by ClinVar (database versions not stated): ExAC 0.00003; TOPMed 0.00001.
gnomAD v4.1: 29 of 1,613,976 alleles (0.0018%); highest among the groups gnomAD compares: Middle Eastern, 0.033%; no homozygotes.

Submissions (6):

Ambry Genetics
Classification: Benign for Hereditary cancer-predisposing syndrome. Last evaluated: 2026-04-03. Review status: criteria provided, single submitter. Criteria: Ambry Variant Classification Scheme 2023. Collection method: clinical testing. Allele origin: germline.

Labcorp Genetics (formerly Invitae), Labcorp
Classification: Benign for Tuberous sclerosis 2. Last evaluated: 2026-01-10. Review status: criteria provided, single submitter. Criteria: Invitae Variant Classification Sherloc (09022015). Collection method: clinical testing. Allele origin: germline.

Myriad Genetics, Inc.
Classification: Likely benign for Tuberous sclerosis 2. Last evaluated: 2025-04-30. Review status: criteria provided, single submitter. Criteria: Myriad Autosomal Dominant, Autosomal Recessive and X-Linked Classification Criteria (2023). Collection method: clinical testing. Allele origin: unknown.
Comment: This variant is considered likely benign. This variant has been observed at a population frequency that is significantly greater than expected given the associated disease prevalence and penetrance.

Color Diagnostics, LLC DBA Color Health
Classification: Likely benign for Tuberous sclerosis syndrome. Last evaluated: 2022-08-16. Review status: criteria provided, single submitter. Criteria: ACMG Guidelines, 2015. Collection method: clinical testing. Allele origin: germline.

MGZ Medical Genetics Center
Classification: Uncertain significance for Tuberous sclerosis 2. Last evaluated: 2022-04-29. Review status: criteria provided, single submitter. Criteria: ACMG Guidelines, 2015. Collection method: clinical testing. Allele origin: germline. Affected: yes. Observed: 1 variant allele.
Comment: ACMG criteria applied: PM2_SUP, BP4

Genome-Nilou Lab
Classification: Likely benign for Tuberous sclerosis 2. Last evaluated: 2021-11-07. Review status: criteria provided, single submitter. Criteria: ACMG Guidelines, 2015. Collection method: clinical testing. Allele origin: germline. Affected: no.

NM_000548.5(TSC2):c.17G>A (p.Ser6Asn)

Gene: TSC2 (TSC complex subunit 2; plus strand). Cytogenetic location: 16p13.3.
Variant type: single nucleotide variant.
Coding change: c.17G>A on transcript NM_000548.5 (MANE Select); coding-DNA position 17, G replaced by A.
Protein change: p.Ser6Asn; replaces serine 6 with asparagine.
Molecular consequence: missense variant. On other transcripts: 5 prime UTR variant (1), intron variant (1).
Genome position (GRCh38, 1-based): chr16:2,048,632, G>A. VCF-style: chr16-2048632-G-A. GRCh37 (hg19) VCF-style: chr16-2098633-G-A.
Other names: c.17G>A, p.Ser6Asn (NM_001077183.3, NM_001114382.3, NM_001318827.2 and 4 more transcripts); c.-210G>A (NM_001318831.2); c.50G>A, p.Ser17Asn (NM_001318832.2); c.-10+567G>A (NM_001318829.2); short protein forms S6N, S17N.
Identifiers: ClinVar variation 230395 (VCV000230395.22), dbSNP rs758239066, ClinGen allele CA033570.